The following is an entry in ClinVar:

NM_001844.5(COL2A1):c.248G>C (p.Gly83Ala)

Gene: COL2A1 (collagen type II alpha 1 chain; minus strand). Cytogenetic location: 12q13.11.
Variant type: single nucleotide variant.
Coding change: c.248G>C on transcript NM_001844.5 (MANE Select); coding-DNA position 248, G replaced by C.
Protein change: p.Gly83Ala; replaces glycine 83 with alanine.
Molecular consequence: missense variant. On other transcripts: intron variant (1).
Genome position (GRCh38, 1-based): chr12:47,999,963, C>G on the plus strand (G>C on the coding strand, the complement: COL2A1 is on the minus strand). VCF-style: chr12-47999963-C-G. GRCh37 (hg19) VCF-style: chr12-48393746-C-G.
Other names: c.86-1532G>C (NM_033150.3); short protein forms G83A.
Identifiers: ClinVar variation 1721478 (VCV001721478.5), dbSNP rs2540187429, ClinGen allele CA384525967.
Genomic context (GRCh38, chr12:47,999,963, plus strand): 5'-ATAAATAAATTACAACCACTGGCAGTGGCGAGGTCAGTTGGGCAGATGGGGCAGCACTCT[C>G]CGAAGGGGATCTCAGGGCTGAGGCAGTCTTTCACGTCTTCACAGATTATGTCGTCGCAGA-3'
Protein context (NP_001835.3, residues 73-93): KDCLSPEIPF[Gly83Ala]ECCPICPTDL

ClinVar aggregate classification (germline): Uncertain significance (1 of 4 stars; one submission).

Submission:

Labcorp Genetics (formerly Invitae), Labcorp
Classification: Uncertain significance. Last evaluated: 2023-07-28. Review status: criteria provided, single submitter. Criteria: Invitae Variant Classification Sherloc (09022015). Collection method: clinical testing. Allele origin: germline.
Comment: In summary, the available evidence is currently insufficient to determine the role of this variant in disease. Therefore, it has been classified as a Variant of Uncertain Significance. This sequence change replaces glycine, which is neutral and non-polar, with alanine, which is neutral and non-polar, at codon 83 of the COL2A1 protein (p.Gly83Ala). This variant is not present in population databases (gnomAD no frequency). This variant has not been reported in the literature in individuals affected with COL2A1-related conditions. ClinVar contains an entry for this variant (Variation ID: 1721478). Advanced modeling of protein sequence and biophysical properties (such as structural, functional, and spatial information, amino acid conservation, physicochemical variation, residue mobility, and thermodynamic stability) performed at Invitae indicates that this missense variant is not expected to disrupt COL2A1 protein function.